The following is an entry in ClinVar:

ClinVar aggregate classification (germline): Likely benign. Review status: criteria provided, multiple submitters, no conflicts (2 of 4 stars). 2 submissions from 2 submitters: Likely benign (2). Last evaluated 2025-10-01.

Allele frequency attached by ClinVar (database versions not stated): ExAC 0.00002; ESP Exome Variant Server 0.00008.
gnomAD v4.1: 11 of 1,596,836 alleles (0.00069%); highest among the groups gnomAD compares: African/African-American, 0.0053%; no homozygotes.

Submissions (2):

CeGaT Center for Human Genetics Tuebingen
Classification: Likely benign. Last evaluated: 2025-10-01. Review status: criteria provided, single submitter. Criteria: CeGaT Center For Human Genetics Tuebingen Variant Classification Criteria Version 2. Collection method: clinical testing. Allele origin: germline. Affected: yes. Observed: 1 variant allele.
Comment: SZT2: BP4, BP7

Labcorp Genetics (formerly Invitae), Labcorp
Classification: Likely benign. Last evaluated: 2023-06-10. Review status: criteria provided, single submitter. Criteria: Invitae Variant Classification Sherloc (09022015). Collection method: clinical testing. Allele origin: germline.

NM_001365999.1(SZT2):c.5829G>T (p.Gly1943=)

Gene: SZT2 (SZT2 subunit of KICSTOR complex; plus strand). Cytogenetic location: 1p34.2.
Variant type: single nucleotide variant.
Coding change: c.5829G>T on transcript NM_001365999.1 (MANE Select); coding-DNA position 5829, G replaced by T.
Protein change: p.Gly1943=; no amino-acid change (glycine 1943 retained).
Molecular consequence: synonymous variant.
Genome position (GRCh38, 1-based): chr1:43,434,410, G>T. VCF-style: chr1-43434410-G-T. GRCh37 (hg19) VCF-style: chr1-43900081-G-T.
Other names: c.5658G>T, p.Gly1886= (NM_015284.4).
Identifiers: ClinVar variation 2701178 (VCV002701178.9), dbSNP rs143953688, ClinGen allele CA809718.